The following is an entry in ClinVar:

NM_012414.4(RAB3GAP2):c.1376G>A (p.Ser459Asn)

Gene: RAB3GAP2 (RAB3 GTPase activating non-catalytic protein subunit 2; minus strand). Cytogenetic location: 1q41.
Variant type: single nucleotide variant.
Coding change: c.1376G>A on transcript NM_012414.4 (MANE Select); coding-DNA position 1376, G replaced by A.
Protein change: p.Ser459Asn; replaces serine 459 with asparagine.
Molecular consequence: missense variant.
Genome position (GRCh38, 1-based): chr1:220,191,179, C>T on the plus strand (G>A on the coding strand, the complement: RAB3GAP2 is on the minus strand). VCF-style: chr1-220191179-C-T. GRCh37 (hg19) VCF-style: chr1-220364521-C-T.
Other names: short protein forms S459N.
Identifiers: ClinVar variation 1956074 (VCV001956074.5), dbSNP rs1393870747, ClinGen allele CA344645544.

ClinVar aggregate classification (germline): Uncertain significance (1 of 4 stars; one submission).

Conditions:
Martsolf syndrome (MARTS). Also called: Congenital cataract with intellectual disability and hypogonadotropic hypogonadism syndrome. Identifiers: Orphanet 1387, MedGen C0796037, MONDO:0023910.
Warburg micro syndrome 2 (WARBM2). Also called: MICRO SYNDROME 2. Identifiers: Orphanet 2510, MedGen C3280214, MONDO:0013641, OMIM 614225.

gnomAD v4.1: 1 of 1,614,030 alleles (0.000062%); highest among the groups gnomAD compares: Admixed American, 0.0017%; no homozygotes.

Submission:

Labcorp Genetics (formerly Invitae), Labcorp
Classification: Uncertain significance for Martsolf syndrome; Warburg micro syndrome 2. Last evaluated: 2022-07-29. Review status: criteria provided, single submitter. Criteria: Invitae Variant Classification Sherloc (09022015). Collection method: clinical testing. Allele origin: germline.
Comment: In summary, the available evidence is currently insufficient to determine the role of this variant in disease. Therefore, it has been classified as a Variant of Uncertain Significance. Algorithms developed to predict the effect of missense changes on protein structure and function (SIFT, PolyPhen-2, Align-GVGD) all suggest that this variant is likely to be tolerated. This variant has not been reported in the literature in individuals affected with RAB3GAP2-related conditions. This variant is not present in population databases (gnomAD no frequency). This sequence change replaces serine, which is neutral and polar, with asparagine, which is neutral and polar, at codon 459 of the RAB3GAP2 protein (p.Ser459Asn).